The following is an entry in ClinVar:

NM_022367.4(SEMA4A):c.1325C>T (p.Ser442Leu)

Gene: SEMA4A (semaphorin 4A; plus strand). Cytogenetic location: 1q22.
Variant type: single nucleotide variant.
Coding change: c.1325C>T on transcript NM_022367.4 (MANE Select); coding-DNA position 1325, C replaced by T.
Protein change: p.Ser442Leu; replaces serine 442 with leucine.
Molecular consequence: missense variant.
Genome position (GRCh38, 1-based): chr1:156,174,831, C>T. VCF-style: chr1-156174831-C-T. GRCh37 (hg19) VCF-style: chr1-156144622-C-T.
Other names: c.1325C>T, p.Ser442Leu (NM_001193300.2, NM_001193301.2, NM_001370567.1); c.929C>T, p.Ser310Leu (NM_001193302.2); c.1028C>T, p.Ser343Leu (NM_001370568.1); c.818C>T, p.Ser273Leu (NM_001370569.1, NM_001370571.1); c.1325C>T (NM_022367.3); short protein forms S273L, S310L, S343L, S442L.
Identifiers: ClinVar variation 1020668 (VCV001020668.8), dbSNP rs111977724, ClinGen allele CA1155340.

ClinVar aggregate classification (germline): Uncertain significance. Review status: criteria provided, multiple submitters, no conflicts (2 of 4 stars). 2 submissions from 2 submitters: Uncertain significance (2). Last evaluated 2025-07-31.

Allele frequency attached by ClinVar (database versions not stated): ExAC 0.00001; gnomAD exomes 0.00001; TOPMed 0.00002; gnomAD 0.00003; 1000 Genomes Project 30x 0.00016; 1000 Genomes Project 0.00020.
gnomAD v4.1: 66 of 1,614,182 alleles (0.0041%); highest among the groups gnomAD compares: African/African-American, 0.029%; no homozygotes.

Submissions (2):

Labcorp Genetics (formerly Invitae), Labcorp
Classification: Uncertain significance. Last evaluated: 2025-07-31. Review status: criteria provided, single submitter. Criteria: Invitae Variant Classification Sherloc (09022015). Collection method: clinical testing. Allele origin: germline.
Comment: This sequence change replaces serine, which is neutral and polar, with leucine, which is neutral and non-polar, at codon 442 of the SEMA4A protein (p.Ser442Leu). This variant is present in population databases (rs111977724, gnomAD 0.004%). This variant has not been reported in the literature in individuals affected with SEMA4A-related conditions. ClinVar contains an entry for this variant (Variation ID: 1020668). Invitae Evidence Modeling of protein sequence and biophysical properties (such as structural, functional, and spatial information, amino acid conservation, physicochemical variation, residue mobility, and thermodynamic stability) indicates that this missense variant is not expected to disrupt SEMA4A protein function with a negative predictive value of 80%. In summary, the available evidence is currently insufficient to determine the role of this variant in disease. Therefore, it has been classified as a Variant of Uncertain Significance.

Ambry Genetics
Classification: Uncertain significance. Last evaluated: 2024-05-21. Review status: criteria provided, single submitter. Criteria: Ambry Variant Classification Scheme 2023. Collection method: clinical testing. Allele origin: germline.